The following is an entry in ClinVar:

ClinVar aggregate classification (germline): Uncertain significance. Review status: criteria provided, multiple submitters, no conflicts (2 of 4 stars). 4 submissions from 4 submitters: Uncertain significance (4). Last evaluated 2025-07-03.

Conditions:
Inborn genetic diseases. Identifiers: MedGen C0950123, MeSH D030342.
Fanconi anemia (FA). Also called: Fanconi's anemia. Identifiers: Orphanet 84, MedGen C0015625, MeSH D005199, MONDO:0019391.

Allele frequency attached by ClinVar (database versions not stated): gnomAD below 0.00001 and 0.00001; gnomAD exomes 0.00005 and 0.00009; ExAC 0.00010.
gnomAD v4.1: 69 of 1,613,634 alleles (0.0043%); highest among the groups gnomAD compares: South Asian, 0.07%; 2 homozygotes.

Submissions (4):

Ambry Genetics
Classification: Uncertain significance for Inborn genetic diseases. Last evaluated: 2025-07-03. Review status: criteria provided, single submitter. Criteria: Ambry Variant Classification Scheme 2023. Collection method: clinical testing. Allele origin: germline.

GeneDx
Classification: Uncertain significance. Last evaluated: 2025-06-09. Review status: criteria provided, single submitter. Criteria: GeneDx Variant Classification Process June 2021. Collection method: clinical testing. Allele origin: germline. Affected: yes.
Comment: In silico analysis supports that this missense variant has a deleterious effect on protein structure/function; Has not been previously published as pathogenic or benign to our knowledge; In silico analysis suggests this variant may impact gene splicing. In the absence of RNA/functional studies, the actual effect of this sequence change is unknown.

Labcorp Genetics (formerly Invitae), Labcorp
Classification: Uncertain significance for Fanconi anemia. Last evaluated: 2024-08-13. Review status: criteria provided, single submitter. Criteria: Invitae Variant Classification Sherloc (09022015). Collection method: clinical testing. Allele origin: germline.
Comment: This sequence change replaces aspartic acid, which is acidic and polar, with glycine, which is neutral and non-polar, at codon 753 of the FANCM protein (p.Asp753Gly). This variant is present in population databases (rs756438082, gnomAD 0.07%). This variant has not been reported in the literature in individuals affected with FANCM-related conditions. ClinVar contains an entry for this variant (Variation ID: 526349). An algorithm developed to predict the effect of missense changes on protein structure and function (PolyPhen-2) suggests that this variant is likely to be tolerated. Algorithms developed to predict the effect of sequence changes on RNA splicing suggest that this variant may disrupt the consensus splice site. In summary, the available evidence is currently insufficient to determine the role of this variant in disease. Therefore, it has been classified as a Variant of Uncertain Significance.

Genetic Services Laboratory, University of Chicago
Classification: Uncertain significance. Last evaluated: 2021-05-03. Review status: criteria provided, single submitter. Criteria: ACMG Guidelines, 2015. Collection method: clinical testing. Allele origin: germline. Affected: no.
Comment: DNA sequence analysis of the FANCM gene demonstrated a sequence change, c.2258A>G, in exon 13 that results in an amino acid change, p.Asp753Gly. This sequence change does not appear to have been previously described in patients with FANCM-related disorders. This sequence change has been described in the gnomAD database with a low frequency of 0.072% in the south Asian subpopulation (dbSNP rs756438082). The p.Asp753Gly change affects a moderately conserved amino acid residue of the FANCM protein. The p.Asp753Gly substitution appears to be benign using several in-silico pathogenicity prediction tools (SIFT, PolyPhen2, Align GVGD, REVEL). Due to the lack of functional studies, the clinical significance of the p.Asp753Gly change remains unknown at this time.

NM_020937.4(FANCM):c.2258A>G (p.Asp753Gly)

Gene: FANCM (FA complementation group M; plus strand). Cytogenetic location: 14q21.2.
Variant type: single nucleotide variant.
Coding change: c.2258A>G on transcript NM_020937.4 (MANE Select); coding-DNA position 2258, A replaced by G.
Protein change: p.Asp753Gly; replaces aspartic acid 753 with glycine.
Molecular consequence: missense variant.
Genome position (GRCh38, 1-based): chr14:45,173,152, A>G. VCF-style: chr14-45173152-A-G. GRCh37 (hg19) VCF-style: chr14-45642355-A-G.
Other names: c.2180A>G, p.Asp727Gly (NM_001308133.2); c.2258A>G (LRG_502t1); short protein forms D753G, D727G.
Identifiers: ClinVar variation 526349 (VCV000526349.16), dbSNP rs756438082, ClinGen allele CA7169300.